The following is an entry in ClinVar:

ClinVar aggregate classification (germline): Benign/Likely benign. Review status: criteria provided, multiple submitters, no conflicts (2 of 4 stars). 3 submissions from 3 submitters: Benign (1); Likely benign (1). 1 of the submissions does not count toward it. Last evaluated 2025-12-01.

Conditions:
Short-rib thoracic dysplasia 6 with or without polydactyly (SRTD6). Also called: Majewski Syndrome; POLYDACTYLY WITH NEONATAL CHONDRODYSTROPHY, TYPE II; SHORT RIB-POLYDACTYLY SYNDROME, TYPE IIA; SHORT-RIB THORACIC DYSPLASIA 6 WITH POLYDACTYLY; SHORT-RIB THORACIC DYSPLASIA 6 WITHOUT POLYDACTYLY. Identifiers: MedGen C0024507, MONDO:0009894, OMIM 263520.
NEK1-related disorder. Also called: NEK1-related condition.

Allele frequency attached by ClinVar (database versions not stated): gnomAD 0.00001 and 0.00013; TOPMed 0.00005; gnomAD exomes 0.00020 and 0.00041; ExAC 0.00057; 1000 Genomes Project 30x 0.00125; 1000 Genomes Project 0.00140.
gnomAD v4.1: 319 of 1,610,244 alleles (0.02%); highest among the groups gnomAD compares: South Asian, 0.32%; 3 homozygotes.

Submissions (3):

Labcorp Genetics (formerly Invitae), Labcorp
Classification: Benign for Short-rib thoracic dysplasia 6 with or without polydactyly. Last evaluated: 2025-12-01. Review status: criteria provided, single submitter. Criteria: Invitae Variant Classification Sherloc (09022015). Collection method: clinical testing. Allele origin: germline.

Illumina Laboratory Services, Illumina
Classification: Likely benign for Short-rib thoracic dysplasia 6 with or without polydactyly. Last evaluated: 2018-01-12. Review status: criteria provided, single submitter. Criteria: ICSL Variant Classification Criteria 13 December 2019. Collection method: clinical testing. Allele origin: germline.
Comment: This variant was observed in the ICSL laboratory as part of a predisposition screen in an ostensibly healthy population. It had not been previously curated by ICSL or reported in the Human Gene Mutation Database (HGMD: prior to June 1st, 2018), and was therefore a candidate for classification through an automated scoring system. Utilizing variant allele frequency, disease prevalence and penetrance estimates, and inheritance mode, an automated score was calculated to assess if this variant is too frequent to cause the disease. Based on the score and internal cut-off values, a variant classified as likely benign is not then subjected to further curation. The score for this variant resulted in a classification of likely benign for this disease.

PreventionGenetics, part of Exact Sciences
Classification: Likely benign for NEK1-related condition. Last evaluated: 2022-12-15. Review status: no assertion criteria provided. Collection method: clinical testing. Allele origin: germline. Not counted in ClinVar's aggregate classification.
Comment: This variant is classified as likely benign based on ACMG/AMP sequence variant interpretation guidelines (Richards et al. 2015 PMID: 25741868, with internal and published modifications).

NM_001199397.3(NEK1):c.2093T>C (p.Met698Thr)

Gene: NEK1 (NIMA related kinase 1; minus strand). Cytogenetic location: 4q33.
Variant type: single nucleotide variant.
Coding change: c.2093T>C on transcript NM_001199397.3 (MANE Select); coding-DNA position 2093, T replaced by C.
Protein change: p.Met698Thr; replaces methionine 698 with threonine.
Molecular consequence: missense variant. On other transcripts: non-coding transcript variant (1).
Genome position (GRCh38, 1-based): chr4:169,479,449, A>G on the plus strand (T>C on the coding strand, the complement: NEK1 is on the minus strand). VCF-style: chr4-169479449-A-G. GRCh37 (hg19) VCF-style: chr4-170400600-A-G.
Other names: c.1961T>C, p.Met654Thr (NM_001199398.3); c.1802T>C, p.Met601Thr (NM_001199399.3); c.1877T>C, p.Met626Thr (NM_001199400.3); c.2093T>C, p.Met698Thr (NM_001374418.1); c.2009T>C, p.Met670Thr (NM_001374419.1, NM_012224.4); c.1958T>C, p.Met653Thr (NM_001374420.1); c.1787T>C, p.Met596Thr (NM_001374421.1); short protein forms M626T, M670T, M601T, M653T, M654T, M698T, M596T.
Identifiers: ClinVar variation 902347 (VCV000902347.10), dbSNP rs577165880, ClinGen allele CA3137516.
Genomic context (GRCh38, chr4:169,479,449, plus strand): 5'-CTTAGGAAACTTACCACGCCAACTTCTTTCAAAGCTGAAGTTACAGAAATAACAGATCTC[A>G]TCTGTTGCTTTGATGGAGAGCCACCTGTTTCATGCTGTCCCAAAGGTGGAGAAACATCAG-3'
Protein context (NP_001186326.1, residues 688-708): ETGGSPSKQQ[Met698Thr]RSVISVTSAL